The following is an entry in ClinVar:

ClinVar aggregate classification (germline): Uncertain significance (1 of 4 stars; one submission).

Allele frequency attached by ClinVar (database versions not stated): gnomAD exomes below 0.00001; ExAC 0.00001.
gnomAD v4.1: 1 of 1,614,234 alleles (0.000062%); highest among the groups gnomAD compares: Admixed American, 0.0017%; no homozygotes.

Submission:

Labcorp Genetics (formerly Invitae), Labcorp
Classification: Uncertain significance. Last evaluated: 2021-11-06. Review status: criteria provided, single submitter. Criteria: Invitae Variant Classification Sherloc (09022015). Collection method: clinical testing. Allele origin: germline.
Comment: This sequence change replaces glutamine, which is neutral and polar, with arginine, which is basic and polar, at codon 847 of the DHX38 protein (p.Gln847Arg). In summary, the available evidence is currently insufficient to determine the role of this variant in disease. Therefore, it has been classified as a Variant of Uncertain Significance. Algorithms developed to predict the effect of missense changes on protein structure and function are either unavailable or do not agree on the potential impact of this missense change (SIFT: "Deleterious"; PolyPhen-2: "Possibly Damaging"; Align-GVGD: "Class C0"). This variant has not been reported in the literature in individuals affected with DHX38-related conditions. This variant is present in population databases (rs777969746, gnomAD 0.003%).

NM_014003.4(DHX38):c.2540A>G (p.Gln847Arg)

Gene: DHX38 (DEAH-box helicase 38; plus strand). Cytogenetic location: 16q22.2.
Variant type: single nucleotide variant.
Coding change: c.2540A>G on transcript NM_014003.4 (MANE Select); coding-DNA position 2540, A replaced by G.
Protein change: p.Gln847Arg; replaces glutamine 847 with arginine.
Molecular consequence: missense variant.
Genome position (GRCh38, 1-based): chr16:72,106,057, A>G. VCF-style: chr16-72106057-A-G. GRCh37 (hg19) VCF-style: chr16-72139956-A-G.
Other names: short protein forms Q847R.
Identifiers: ClinVar variation 1424744 (VCV001424744.6), dbSNP rs777969746, ClinGen allele CA8160694.
Genomic context (GRCh38, chr16:72,106,057, plus strand): 5'-CCTCCTAGGTCTTCAACCCCAGGATTGGCATGGATGCTCTGCAGATCTATCCCATTAGCC[A>G]GGCCAATGCCAACCAGCGGTCAGGGCGAGCCGGCAGGACGGGCCCAGGTCAGTGTTTCAG-3'
Protein context (NP_054722.2, residues 837-857): MDALQIYPIS[Gln847Arg]ANANQRSGRA